The following is an entry in ClinVar:

NC_000011.9:g.(?_103349803)_(103349981_?)dup

Gene: DYNC2H1 (dynein cytoplasmic 2 heavy chain 1; plus strand). Cytogenetic location: 11q22.3.
Variant type: Duplication.
Identifiers: ClinVar variation 1410114 (VCV001410114.4).

ClinVar aggregate classification (germline): Uncertain significance (1 of 4 stars; one submission).

Conditions:
Jeune thoracic dystrophy. Also called: Short-rib thoracic dysplasia; Infantile thoracic dystrophy; Thoracic pelvic phalangeal dystrophy; Jeune's syndrome; Chondroectodermal dysplasia-like syndrome; Jeune syndrome. Identifiers: Orphanet 474, MedGen C0265275, MONDO:0018770.

Submission:

Labcorp Genetics (formerly Invitae), Labcorp
Classification: Uncertain significance for Jeune thoracic dystrophy. Last evaluated: 2022-10-17. Review status: criteria provided, single submitter. Criteria: Invitae Variant Classification Sherloc (09022015). Collection method: clinical testing. Allele origin: germline.
Comment: This variant results in a copy number gain of the genomic region encompassing exon(s) 90 of the DYNC2H1 gene. This region includes the termination codon of the gene. This copy number gain extends beyond the assayed region for this gene and therefore may encompass additional genes. As the precise location of this event is unknown, it may be in tandem or it may be located elsewhere in the genome. This variant has not been reported in the literature in individuals affected with DYNC2H1-related conditions. In summary, the available evidence is currently insufficient to determine the role of this variant in disease. Therefore, it has been classified as a Variant of Uncertain Significance.